The following is an entry in ClinVar:

NM_000400.4(ERCC2):c.2080C>T (p.Pro694Ser)

Gene: ERCC2 (ERCC excision repair 2, TFIIH core complex helicase subunit; minus strand). Cytogenetic location: 19q13.32.
Variant type: single nucleotide variant.
Coding change: c.2080C>T on transcript NM_000400.4 (MANE Select); coding-DNA position 2080, C replaced by T.
Protein change: p.Pro694Ser; replaces proline 694 with serine.
Molecular consequence: missense variant.
Genome position (GRCh38, 1-based): chr19:45,352,319, G>A on the plus strand (C>T on the coding strand, the complement: ERCC2 is on the minus strand). VCF-style: chr19-45352319-G-A. GRCh37 (hg19) VCF-style: chr19-45855577-G-A.
Other names: short protein forms P694S.
Identifiers: ClinVar variation 523368 (VCV000523368.13), dbSNP rs764868582, ClinGen allele CA9512893.
Genomic context (GRCh38, chr19:45,352,319, plus strand): 5'-CACCCTCGTCCACGGTCAGGTTGAGGTTGGCATCTGTGAGGTGCTCCTGGATCCAGCGGG[G>A]CAGCTTCCCCCGCTTGTCCCCACGGGCAAACCGCTGTGGGCAGAAGCGCAGGCCAGGGAC-3'
Protein context (NP_000391.1, residues 684-704): FARGDKRGKL[Pro694Ser]RWIQEHLTDA

ClinVar aggregate classification (germline): Conflicting classifications of pathogenicity. Review status: criteria provided, conflicting classifications (1 of 4 stars). 5 submissions from 5 submitters: Likely pathogenic (1); Uncertain significance (4). Last evaluated 2026-06-29.

Conditions:
Leukodystrophy. Identifiers: Orphanet 68356, MedGen C0023520, MONDO:0019046, HP:0002415.
Trichothiodystrophy 1, photosensitive (TTD1). Also called: TAY SYNDROME; TRICHOTHIODYSTROPHY WITH CONGENITAL ICHTHYOSIS; PIBIDS SYNDROME. Identifiers: Orphanet 33364, MedGen C1866504, MONDO:0011125, OMIM 601675.
Inborn genetic diseases. Identifiers: MedGen C0950123, MeSH D030342.

Allele frequency attached by ClinVar (database versions not stated): gnomAD exomes 0.00001 and 0.00002; ExAC 0.00003; TOPMed below 0.00001.
gnomAD v4.1: 7 of 1,613,966 alleles (0.00043%); highest among the groups gnomAD compares: Non-Finnish European, 0.00051%; no homozygotes.

Submissions (5):

Victorian Clinical Genetics Services, Murdoch Childrens Research Institute
Classification: Uncertain significance for Trichothiodystrophy 1, photosensitive. Last evaluated: 2026-06-29. Review status: criteria provided, single submitter. Criteria: ACMG Guidelines, 2015. Collection method: clinical testing. Allele origin: germline. Affected: yes.
Comment: This variant is classified as VUS-3A. Evidence in support of pathogenic classification: Variant is present in gnomAD <0.01 for a recessive condition (v4: 7 heterozygote(s), 0 homozygote(s)); Missense variant predicted to be damaging by in silico tool(s) or highly conserved with a major amino acid change; Heterozygous variant detected in trans with a second PATHOGENIC heterozygous variant (NM_000400.4(ERCC2):c.1867dup; p.(Val623Glyfs*26)) in a recessive disease. Additional information: Variant is predicted to result in a missense amino acid change from Pro to Ser; This variant is heterozygous; This gene is associated with autosomal recessive disease; Alternative amino acid change(s) at the same position are present in gnomAD (highest allele count: v4: 1 heterozygote(s), 0 homozygote(s)); Previous evidence of pathogenicity for this variant is inconclusive. This variant has been classified as likely pathogenic and a VUS by clinical laboratories in ClinVar; No published evidence of segregation with disease has been identified for this variant; No published functional evidence has been identified for this variant; No comparable variants have previous evidence for pathogenicity; Variant is located in the annotated helicase C-terminal domain (DECIPHER); Loss of function is a known mechanism of disease in this gene and is associated with photosensitive trichothiodystrophy 1 (MIM#601675), xeroderma pigmentosum group D (MIM#278730) and cerebrooculofacioskeletal syndrome 2 (MIM#610756); Variants in this gene are known to have variable expressivity associated with xeroderma pigmentosum group D (PMID: 20301571).

Labcorp Genetics (formerly Invitae), Labcorp
Classification: Uncertain significance. Last evaluated: 2024-04-29. Review status: criteria provided, single submitter. Criteria: Invitae Variant Classification Sherloc (09022015). Collection method: clinical testing. Allele origin: germline.
Comment: This sequence change replaces proline, which is neutral and non-polar, with serine, which is neutral and polar, at codon 694 of the ERCC2 protein (p.Pro694Ser). This variant is present in population databases (rs764868582, gnomAD 0.004%). This variant has not been reported in the literature in individuals affected with ERCC2-related conditions. ClinVar contains an entry for this variant (Variation ID: 523368). Advanced modeling of protein sequence and biophysical properties (such as structural, functional, and spatial information, amino acid conservation, physicochemical variation, residue mobility, and thermodynamic stability) performed at Invitae indicates that this missense variant is expected to disrupt ERCC2 protein function with a positive predictive value of 80%. In summary, the available evidence is currently insufficient to determine the role of this variant in disease. Therefore, it has been classified as a Variant of Uncertain Significance.

Ambry Genetics
Classification: Uncertain significance for Inborn genetic diseases. Last evaluated: 2023-01-04. Review status: criteria provided, single submitter. Criteria: Ambry Variant Classification Scheme 2023. Collection method: clinical testing. Allele origin: germline.
Comment: The p.P694S variant (also known as c.2080C>T), located in coding exon 22 of the ERCC2 gene, results from a C to T substitution at nucleotide position 2080. The proline at codon 694 is replaced by serine, an amino acid with similar properties. This amino acid position is conserved. In addition, this alteration is predicted to be deleterious by in silico analysis. Since supporting evidence is limited at this time, the clinical significance of this alteration remains unclear.

Institute for Clinical Genetics, University Hospital TU Dresden, University Hospital TU Dresden
Classification: Likely pathogenic. Last evaluated: 2021-11-03. Review status: criteria provided, single submitter. Criteria: ACMG Guidelines, 2015. Collection method: clinical testing. Allele origin: germline.

Centre for Mendelian Genomics, University Medical Centre Ljubljana
Classification: Uncertain significance for Leukodystrophy. Last evaluated: 2017-01-01. Review status: criteria provided, single submitter. Criteria: ACMG Guidelines, 2015. Collection method: clinical testing. Allele origin: unknown. Affected: yes.

Literature cited by the submitters: PubMed 20301571 (cited by Victorian Clinical Genetics Services, Murdoch Childrens Research Institute).